The following is an entry in ClinVar:

NM_001394062.1(MACF1):c.1840C>T (p.Leu614=)

Gene: MACF1 (microtubule actin crosslinking factor 1; plus strand). Cytogenetic location: 1p34.3.
Variant type: single nucleotide variant.
Coding change: c.1840C>T on transcript NM_001394062.1 (MANE Select); coding-DNA position 1840, C replaced by T.
Protein change: p.Leu614=; no amino-acid change (leucine 614 retained).
Molecular consequence: synonymous variant.
Genome position (GRCh38, 1-based): chr1:39,291,964, C>T. VCF-style: chr1-39291964-C-T. GRCh37 (hg19) VCF-style: chr1-39757636-C-T.
Other names: c.1855C>T, p.Leu619= (NM_012090.5).
Identifiers: ClinVar variation 2037411 (VCV002037411.7), dbSNP rs141659809, ClinGen allele CA779526.
Genomic context (GRCh38, chr1:39,291,964, plus strand): 5'-TTTCAGATGAAACTGGAGCGAGCAGAGTGGGGCAATGACCTGCCTAGTGTGGAGTTGCAG[C>T]TAGAAACACAGCAGCACATCCATACGAGTGTAGAAGAGCTGGGCTCAAGTGTCAAGGAGG-3'
Protein context (NP_001380991.1, residues 604-624): GNDLPSVELQ[Leu614=]ETQQHIHTSV

ClinVar aggregate classification (germline): Likely benign. Review status: criteria provided, multiple submitters, no conflicts (2 of 4 stars). 3 submissions from 3 submitters: Likely benign (2). 1 of the submissions does not count toward it. Last evaluated 2025-05-22.

Conditions:
MACF1-related disorder. Also called: MACF1-related condition.

Allele frequency attached by ClinVar (database versions not stated): TOPMed 0.00006; gnomAD 0.00007; ExAC 0.00008; 1000 Genomes Project 30x 0.00047; 1000 Genomes Project 0.00060.
gnomAD v4.1: 56 of 1,614,010 alleles (0.0035%); highest among the groups gnomAD compares: Middle Eastern, 0.033%; no homozygotes.

Submissions (3):

Labcorp Genetics (formerly Invitae), Labcorp
Classification: Likely benign. Last evaluated: 2025-05-22. Review status: criteria provided, single submitter. Criteria: Invitae Variant Classification Sherloc (09022015). Collection method: clinical testing. Allele origin: germline.

Blueprint Genetics
Classification: Likely benign. Last evaluated: 2024-09-23. Review status: criteria provided, single submitter. Criteria: ACMG Guidelines, 2015. Collection method: clinical testing. Allele origin: germline.

PreventionGenetics, part of Exact Sciences
Classification: Likely benign for MACF1-related condition. Last evaluated: 2019-03-12. Review status: no assertion criteria provided. Collection method: clinical testing. Allele origin: germline. Not counted in ClinVar's aggregate classification.
Comment: This variant is classified as likely benign based on ACMG/AMP sequence variant interpretation guidelines (Richards et al. 2015 PMID: 25741868, with internal and published modifications).